The following is an entry in ClinVar:

NM_001243925.2(MAPKAPK3):c.29G>A (p.Gly10Glu)

Gene: MAPKAPK3 (MAPK activated protein kinase 3; plus strand). Cytogenetic location: 3p21.2.
Variant type: single nucleotide variant.
Coding change: c.29G>A on transcript NM_001243925.2 (MANE Select); coding-DNA position 29, G replaced by A.
Protein change: p.Gly10Glu; replaces glycine 10 with glutamic acid.
Molecular consequence: missense variant.
Genome position (GRCh38, 1-based): chr3:50,617,594, G>A. VCF-style: chr3-50617594-G-A. GRCh37 (hg19) VCF-style: chr3-50655025-G-A.
Other names: c.29G>A (NM_004635.4); c.29G>A, p.Gly10Glu (NM_001243926.2, NM_004635.5); short protein forms G10E.
Identifiers: ClinVar variation 1475920 (VCV001475920.9), dbSNP rs149349769, ClinGen allele CA2420135.

ClinVar aggregate classification (germline): Uncertain significance. Review status: criteria provided, multiple submitters, no conflicts (2 of 4 stars). 3 submissions from 3 submitters: Uncertain significance (3). Last evaluated 2025-06-19.

Allele frequency attached by ClinVar (database versions not stated): gnomAD exomes 0.00005; TOPMed 0.00005; ExAC 0.00003; gnomAD 0.00001 and 0.00003.
gnomAD v4.1: 30 of 1,592,754 alleles (0.0019%); highest among the groups gnomAD compares: Admixed American, 0.018%; no homozygotes.

Submissions (3):

Dasa
Classification: Uncertain significance. Last evaluated: 2025-06-19. Review status: criteria provided, single submitter. Criteria: DASA Assertion Criteria. Collection method: clinical testing. Allele origin: germline.
Comment: NM_001243925.2(MAPKAPK3):c.29G>A (p.Gly10Glu) is a missense variant that results in the substitution of glycine with glutamic acid. This variant is rare in population databases. Computational prediction algorithms are consistent with a benign effect. The currently available literature and clinical evidence are not sufficient to establish a definitive association between this variant and the reported condition. Therefore, this variant is classified as a variant of uncertain significance.

Labcorp Genetics (formerly Invitae), Labcorp
Classification: Uncertain significance. Last evaluated: 2022-10-05. Review status: criteria provided, single submitter. Criteria: Invitae Variant Classification Sherloc (09022015). Collection method: clinical testing. Allele origin: germline.
Comment: Algorithms developed to predict the effect of missense changes on protein structure and function output the following: SIFT: "Deleterious"; PolyPhen-2: "Probably Damaging"; Align-GVGD: "Class C0". The glutamic acid amino acid residue is found in multiple mammalian species, which suggests that this missense change does not adversely affect protein function. ClinVar contains an entry for this variant (Variation ID: 1475920). This variant has not been reported in the literature in individuals affected with MAPKAPK3-related conditions. This variant is present in population databases (rs149349769, gnomAD 0.05%). This sequence change replaces glycine, which is neutral and non-polar, with glutamic acid, which is acidic and polar, at codon 10 of the MAPKAPK3 protein (p.Gly10Glu). In summary, the available evidence is currently insufficient to determine the role of this variant in disease. Therefore, it has been classified as a Variant of Uncertain Significance.

Ambry Genetics
Classification: Uncertain significance. Last evaluated: 2021-12-17. Review status: criteria provided, single submitter. Criteria: Ambry Variant Classification Scheme 2023. Collection method: clinical testing. Allele origin: germline.